The following is an entry in ClinVar:

ClinVar aggregate classification (germline): Uncertain significance. Review status: criteria provided, multiple submitters, no conflicts (2 of 4 stars). 2 submissions from 2 submitters: Uncertain significance (2). Last evaluated 2023-09-01.

Conditions:
Primary ciliary dyskinesia 33. Also called: CILIARY DYSKINESIA, PRIMARY, 33, WITHOUT SITUS INVERSUS. Identifiers: Orphanet 244, MedGen C4225230, MONDO:0014750, OMIM 616726.

Allele frequency attached by ClinVar (database versions not stated): ExAC 0.00008; ESP Exome Variant Server 0.00008; gnomAD 0.00009; TOPMed 0.00010; gnomAD exomes 0.00012.
gnomAD v4.1: 199 of 1,613,502 alleles (0.012%); highest among the groups gnomAD compares: East Asian, 0.016%; no homozygotes.

Submissions (2):

GeneDx
Classification: Uncertain significance. Last evaluated: 2023-09-01. Review status: criteria provided, single submitter. Criteria: GeneDx Variant Classification Process June 2021. Collection method: clinical testing. Allele origin: germline. Affected: yes.
Comment: In silico analysis supports that this missense variant has a deleterious effect on protein structure/function; Has not been previously published as pathogenic or benign to our knowledge

Labcorp Genetics (formerly Invitae), Labcorp
Classification: Uncertain significance for Primary ciliary dyskinesia 33. Last evaluated: 2022-06-04. Review status: criteria provided, single submitter. Criteria: Invitae Variant Classification Sherloc (09022015). Collection method: clinical testing. Allele origin: germline.
Comment: This sequence change replaces glycine, which is neutral and non-polar, with arginine, which is basic and polar, at codon 446 of the GAS8 protein (p.Gly446Arg). This variant is present in population databases (rs144626445, gnomAD 0.02%). This variant has not been reported in the literature in individuals affected with GAS8-related conditions. Algorithms developed to predict the effect of missense changes on protein structure and function are either unavailable or do not agree on the potential impact of this missense change (SIFT: "Deleterious"; PolyPhen-2: "Probably Damaging"; Align-GVGD: "Class C15"). Algorithms developed to predict the effect of sequence changes on RNA splicing suggest that this variant may create or strengthen a splice site. In summary, the available evidence is currently insufficient to determine the role of this variant in disease. Therefore, it has been classified as a Variant of Uncertain Significance.

NM_001481.3(DRC4):c.1336G>A (p.Gly446Arg)

Gene: DRC4 (dynein regulatory complex subunit 4; plus strand). Cytogenetic location: 16q24.3.
Variant type: single nucleotide variant.
Coding change: c.1336G>A on transcript NM_001481.3 (MANE Select); coding-DNA position 1336, G replaced by A.
Protein change: p.Gly446Arg; replaces glycine 446 with arginine.
Molecular consequence: missense variant. On other transcripts: non-coding transcript variant (1).
Genome position (GRCh38, 1-based): chr16:90,043,244, G>A. VCF-style: chr16-90043244-G-A. GRCh37 (hg19) VCF-style: chr16-90109652-G-A.
Other names: c.1087G>A, p.Gly363Arg (NM_001286205.2); c.760G>A, p.Gly254Arg (NM_001286208.2); c.1261G>A, p.Gly421Arg (NM_001286209.2); c.1336G>A (NM_001481.2); short protein forms G254R, G421R, G446R, G363R.
Identifiers: ClinVar variation 2039955 (VCV002039955.2), dbSNP rs144626445, ClinGen allele CA8258244.